The following is an entry in ClinVar:

NM_031885.5(BBS2):c.871G>A (p.Gly291Ser)

Gene: BBS2 (Bardet-Biedl syndrome 2; minus strand). Cytogenetic location: 16q13.
Variant type: single nucleotide variant.
Coding change: c.871G>A on transcript NM_031885.5 (MANE Select); coding-DNA position 871, G replaced by A.
Protein change: p.Gly291Ser; replaces glycine 291 with serine.
Molecular consequence: missense variant. On other transcripts: non-coding transcript variant (5).
Genome position (GRCh38, 1-based): chr16:56,502,742, C>T on the plus strand (G>A on the coding strand, the complement: BBS2 is on the minus strand). VCF-style: chr16-56502742-C-T. GRCh37 (hg19) VCF-style: chr16-56536654-C-T.
Other names: c.871G>A, p.Gly291Ser (NM_001377456.1); c.871G>A (NM_031885.3); short protein forms G291S.
Identifiers: ClinVar variation 2054742 (VCV002054742.6), dbSNP rs528685215, ClinGen allele CA8065896.

ClinVar aggregate classification (germline): Uncertain significance. Review status: criteria provided, multiple submitters, no conflicts (2 of 4 stars). 4 submissions from 4 submitters: Uncertain significance (4). Last evaluated 2026-03-25.

Conditions:
Bardet-Biedl syndrome (BBS). Identifiers: Orphanet 110, MedGen C0752166, MONDO:0015229.
Retinitis pigmentosa 74 (RP74). Identifiers: Orphanet 791, MedGen C4225281, MONDO:0014692, OMIM 616562.
Bardet-Biedl syndrome 2 (BBS2). Identifiers: Orphanet 110, MedGen C2936863, MONDO:0014432, OMIM 615981.
BBS2-related disorder. Also called: BBS2-related condition; BBS2-related disorders. Identifiers: MedGen CN239228.

Allele frequency attached by ClinVar (database versions not stated): gnomAD exomes 0.00004; ExAC 0.00007; gnomAD 0.00008; TOPMed 0.00008; 1000 Genomes Project 30x 0.00016; 1000 Genomes Project 0.00020.
gnomAD v4.1: 76 of 1,614,180 alleles (0.0047%); highest among the groups gnomAD compares: East Asian, 0.1%; no homozygotes.

Submissions (5):

PreventionGenetics, part of Exact Sciences
Classification: Uncertain significance for BBS2-related condition. Last evaluated: 2026-03-25. Review status: criteria provided, single submitter. Criteria: ACMG Guidelines, 2015. Collection method: clinical testing. Allele origin: germline.
Comment: The BBS2 c.871G>A variant is predicted to result in the amino acid substitution p.Gly291Ser. This variant was found in the heterozygous state in an individual with congenital cataract and microphthalmia, although no further evidence was provided to determine its pathogenicity (Wang et al. 2019. PubMed ID: 31106028, Table S2). This variant is reported in 0.15% of alleles in individuals of East Asian descent in gnomAD. At this time, the clinical significance of this variant is uncertain due to the absence of conclusive functional and genetic evidence.

Blueprint Genetics
Classification: Uncertain significance. Last evaluated: 2024-10-07. Review status: criteria provided, single submitter. Criteria: ACMG Guidelines, 2015. Collection method: clinical testing. Allele origin: germline.

Fulgent Genetics
Classification: Uncertain significance for Bardet-Biedl syndrome 2; Retinitis pigmentosa 74. Last evaluated: 2024-02-13. Review status: criteria provided, single submitter. Criteria: ACMG Guidelines, 2015. Collection method: clinical testing. Allele origin: germline.

Labcorp Genetics (formerly Invitae), Labcorp
Classification: Uncertain significance for Bardet-Biedl syndrome. Last evaluated: 2022-03-16. Review status: criteria provided, single submitter. Criteria: Invitae Variant Classification Sherloc (09022015). Collection method: clinical testing. Allele origin: germline.
Comment: This sequence change replaces glycine, which is neutral and non-polar, with serine, which is neutral and polar, at codon 291 of the BBS2 protein (p.Gly291Ser). This variant is present in population databases (rs528685215, gnomAD 0.2%). This variant has not been reported in the literature in individuals affected with BBS2-related conditions. Algorithms developed to predict the effect of missense changes on protein structure and function are either unavailable or do not agree on the potential impact of this missense change (SIFT: "Tolerated"; PolyPhen-2: "Probably Damaging"; Align-GVGD: "Class C0"). Algorithms developed to predict the effect of sequence changes on RNA splicing suggest that this variant may disrupt the consensus splice site. In summary, the available evidence is currently insufficient to determine the role of this variant in disease. Therefore, it has been classified as a Variant of Uncertain Significance.

Dr. Peter K. Rogan Lab, Western University
No classification provided (evidence only). Condition: Cervical cancer. Review status: no classification provided. Collection method: in vitro. Allele origin: not applicable. Functional consequence: retained intron. Not counted in ClinVar's aggregate classification.